The following is an entry in ClinVar:

ClinVar aggregate classification (germline): Uncertain significance (1 of 4 stars; one submission).

Allele frequency attached by ClinVar (database versions not stated): TOPMed 0.00001.

Submission:

GeneDx
Classification: Uncertain significance. Last evaluated: 2022-03-18. Review status: criteria provided, single submitter. Criteria: GeneDx Variant Classification Process June 2021. Collection method: clinical testing. Allele origin: germline. Affected: yes.
Comment: Not observed at significant frequency in large population cohorts (gnomAD); In silico analysis supports that this missense variant does not alter protein structure/function; Has not been previously published as pathogenic or benign to our knowledge

NM_002971.6(SATB1):c.1720G>C (p.Val574Leu)

Gene: SATB1 (SATB homeobox 1; minus strand). Cytogenetic location: 3p24.3.
Variant type: single nucleotide variant.
Coding change: c.1720G>C on transcript NM_002971.6 (MANE Select); coding-DNA position 1720, G replaced by C.
Protein change: p.Val574Leu; replaces valine 574 with leucine.
Molecular consequence: missense variant.
Genome position (GRCh38, 1-based): chr3:18,352,051, C>G on the plus strand (G>C on the coding strand, the complement: SATB1 is on the minus strand). VCF-style: chr3-18352051-C-G. GRCh37 (hg19) VCF-style: chr3-18393543-C-G.
Other names: c.1720G>C, p.Val574Leu (NM_001131010.4, NM_001195470.3, NM_001322871.2 and 4 more transcripts); c.1504G>C, p.Val502Leu (NM_001322876.2); short protein forms V502L, V574L.
Identifiers: ClinVar variation 1706405 (VCV001706405.2), dbSNP rs1694390694, ClinGen allele CA351854596.